The following is an entry in ClinVar:

ClinVar aggregate classification (germline): Likely benign. Review status: criteria provided, multiple submitters, no conflicts (2 of 4 stars). 2 submissions from 2 submitters: Likely benign (2). Last evaluated 2023-03-31.

Conditions:
Familial hypercholesterolemia. Also called: Familial hypercholesterolemias; Familial hypercholesterolaemia. Identifiers: MedGen C0020445, MONDO:0005439.
Familial hypobetalipoproteinemia 1. Also called: APOB-Related Familial Hypobetalipoproteinemia; Hypobetalipoproteinemia, normotriglyceridemic; Acanthocytosis with hypobetalipoproteinemia. Identifiers: MedGen C4551990, MONDO:0014252, OMIM 615558.
Hypercholesterolemia, autosomal dominant, type B (FHCL2). Also called: Familial Hypercholesterolemia Type B; APOLIPOPROTEIN B-100, FAMILIAL DEFECTIVE; APOLIPOPROTEIN B-100, FAMILIAL LIGAND-DEFECTIVE; HYPERCHOLESTEROLEMIA, FAMILIAL, DUE TO LIGAND-DEFECTIVE APOLIPOPROTEIN B; Familial hypercholesterolemia 2; Hyperlipoproteinemia Type IIb. Identifiers: MedGen C1704417, MONDO:0007751, OMIM 144010.

Allele frequency attached by ClinVar (database versions not stated): TOPMed below 0.00001; gnomAD 0.00001; gnomAD exomes 0.00001.
gnomAD v4.1: 9 of 1,609,382 alleles (0.00056%); highest among the groups gnomAD compares: Admixed American, 0.0017%; no homozygotes.

Submissions (2):

GENinCode PLC
Classification: Likely benign for Familial hypercholesterolemia. Last evaluated: 2023-03-31. Review status: criteria provided, single submitter. Criteria: ACMG Guidelines, 2015. Collection method: clinical testing. Allele origin: germline.
Comment: This is a synonymous (silent) variant that is not predicted by SpliceAI to impact splicing. In addition, it occurs at a nucleotide that is not conserved. Therefore this variant has been classified as Likely Benign (BP4, BP7).

Labcorp Genetics (formerly Invitae), Labcorp
Classification: Likely benign for Familial hypobetalipoproteinemia 1; Hypercholesterolemia, autosomal dominant, type B. Last evaluated: 2021-12-01. Review status: criteria provided, single submitter. Criteria: Invitae Variant Classification Sherloc (09022015). Collection method: clinical testing. Allele origin: germline.

NM_000384.3(APOB):c.2445G>A (p.Glu815=)

Gene: APOB (apolipoprotein B; minus strand). Cytogenetic location: 2p24.1.
Variant type: single nucleotide variant.
Coding change: c.2445G>A on transcript NM_000384.3 (MANE Select); coding-DNA position 2445, G replaced by A.
Protein change: p.Glu815=; no amino-acid change (glutamic acid 815 retained).
Molecular consequence: synonymous variant.
Genome position (GRCh38, 1-based): chr2:21,023,684, C>T on the plus strand (G>A on the coding strand, the complement: APOB is on the minus strand). VCF-style: chr2-21023684-C-T. GRCh37 (hg19) VCF-style: chr2-21246556-C-T.
Identifiers: ClinVar variation 1453364 (VCV001453364.9), dbSNP rs1377132994, ClinGen allele CA425137614.
Genomic context (GRCh38, chr2:21,023,684, plus strand): 5'-GGCATTCTCCATGAAGATGTAGTGAAGAAAAAAGTCATTCTTTGAGCCCTTCCTGATGAC[C>T]TCTCCAATCTGTAGACCCAACAAGGGAGAGCAAATAAAAGTAAGTCTTTTTAAAGTCGGT-3'
Protein context (NP_000375.3, residues 805-825): TLQGIPQMIG[Glu815=]VIRKGSKNDF